The following is an entry in ClinVar:

NM_004260.4(RECQL4):c.2119T>C (p.Cys707Arg)

Gene: RECQL4 (RecQ like helicase 4; minus strand). Cytogenetic location: 8q24.3.
Variant type: single nucleotide variant.
Coding change: c.2119T>C on transcript NM_004260.4 (MANE Select); coding-DNA position 2119, T replaced by C.
Protein change: p.Cys707Arg; replaces cysteine 707 with arginine.
Molecular consequence: missense variant.
Genome position (GRCh38, 1-based): chr8:144,513,652, A>G on the plus strand (T>C on the coding strand, the complement: RECQL4 is on the minus strand). VCF-style: chr8-144513652-A-G. GRCh37 (hg19) VCF-style: chr8-145739036-A-G.
Other names: c.2119T>C (NM_004260.3); short protein forms C707R.
Identifiers: ClinVar variation 1063696 (VCV001063696.6), dbSNP rs1410988413, ClinGen allele CA372679866.
Genomic context (GRCh38, chr8:144,513,652, plus strand): 5'-CTGCGTGCAGGCAGGTTCGGAGGAGCGCAGCGATCCGCTCTGTGTCCTCGCGCCGGTTGC[A>G]GTAAATGATAATGGAATCGAGGTTTTGAAAACGTTTGCCTTGCAGCAGCGTCAACAGTGC-3'
Protein context (NP_004251.4, residues 697-717): FQNLDSIIIY[Cys707Arg]NRREDTERIA

ClinVar aggregate classification (germline): Uncertain significance. Review status: criteria provided, multiple submitters, no conflicts (2 of 4 stars). 2 submissions from 2 submitters: Uncertain significance (2). Last evaluated 2025-08-13.

Conditions:
Inborn genetic diseases. Identifiers: MedGen C0950123, MeSH D030342.
Baller-Gerold syndrome (BGS). Also called: CRANIOSYNOSTOSIS WITH RADIAL DEFECTS. Identifiers: Orphanet 1225, MedGen C0265308, MONDO:0009039, OMIM 218600.

Allele frequency attached by ClinVar (database versions not stated): TOPMed below 0.00001; gnomAD exomes 0.00001.
gnomAD v4.1: 5 of 1,574,136 alleles (0.00032%); highest among the groups gnomAD compares: East Asian, 0.0047%; no homozygotes.

Submissions (2):

Labcorp Genetics (formerly Invitae), Labcorp
Classification: Uncertain significance for Baller-Gerold syndrome. Last evaluated: 2025-08-13. Review status: criteria provided, single submitter. Criteria: Invitae Variant Classification Sherloc (09022015). Collection method: clinical testing. Allele origin: germline.
Comment: This sequence change replaces cysteine, which is neutral and slightly polar, with arginine, which is basic and polar, at codon 707 of the RECQL4 protein (p.Cys707Arg). This variant is present in population databases (no rsID available, gnomAD 0.008%). This variant has not been reported in the literature in individuals affected with RECQL4-related conditions. ClinVar contains an entry for this variant (Variation ID: 1063696). Invitae Evidence Modeling of protein sequence and biophysical properties (such as structural, functional, and spatial information, amino acid conservation, physicochemical variation, residue mobility, and thermodynamic stability) indicates that this missense variant is expected to disrupt RECQL4 protein function with a positive predictive value of 80%. In summary, the available evidence is currently insufficient to determine the role of this variant in disease. Therefore, it has been classified as a Variant of Uncertain Significance.

Ambry Genetics
Classification: Uncertain significance for Inborn genetic diseases. Last evaluated: 2024-11-22. Review status: criteria provided, single submitter. Criteria: Ambry Variant Classification Scheme 2023. Collection method: clinical testing. Allele origin: germline.
Comment: The p.C707R variant (also known as c.2119T>C), located in coding exon 13 of the RECQL4 gene, results from a T to C substitution at nucleotide position 2119. The cysteine at codon 707 is replaced by arginine, an amino acid with highly dissimilar properties. This amino acid position is conserved. In addition, this alteration is predicted to be deleterious by in silico analysis. Based on the available evidence, the clinical significance of this variant remains unclear.